The following is an entry in ClinVar:

NM_000238.4(KCNH2):c.3076C>G (p.Pro1026Ala)

Gene: KCNH2 (potassium voltage-gated channel subfamily H member 2; minus strand). Cytogenetic location: 7q36.1.
Variant type: single nucleotide variant.
Coding change: c.3076C>G on transcript NM_000238.4 (MANE Select); coding-DNA position 3076, C replaced by G.
Protein change: p.Pro1026Ala; replaces proline 1026 with alanine.
Molecular consequence: missense variant. On other transcripts: non-coding transcript variant (2).
Genome position (GRCh38, 1-based): chr7:150,947,404, G>C on the plus strand (C>G on the coding strand, the complement: KCNH2 is on the minus strand). VCF-style: chr7-150947404-G-C. GRCh37 (hg19) VCF-style: chr7-150644492-G-C.
Other names: c.2788C>G, p.Pro930Ala (NM_001406753.1); c.2056C>G, p.Pro686Ala (NM_172057.3); short protein forms P1026A, P686A, P930A.
Identifiers: ClinVar variation 3071700 (VCV003071700.1), dbSNP rs75377064, ClinGen allele CA369852722.
Genomic context (GRCh38, chr7:150,947,404, plus strand): 5'-GGAGGGCATCCAGCCTGCTCTCCACGTCGCCCCGGGGCCGCCGACCCGGGCTGGAGAGGG[G>C]GATGTTGAGGAGGCTGGGGGTGGGGGCGGGGCATCGAGGGAGCTCCTGGTACTGGCGGCC-3'
Protein context (NP_000229.1, residues 1016-1036): PAPTPSLLNI[Pro1026Ala]LSSPGRRPRG

ClinVar aggregate classification (germline): Uncertain significance (1 of 4 stars; one submission).

Conditions:
Long QT syndrome (LQTS). Identifiers: MedGen C0023976, MeSH D008133, MONDO:0002442. Disease mechanism: loss of function. Inheritance: Various modes of inheritance.

Submission:

All of Us Research Program, National Institutes of Health
Classification: Uncertain significance for Long QT syndrome. Last evaluated: 2023-06-28. Review status: criteria provided, single submitter. Criteria: ACMG Guidelines, 2015. Collection method: clinical testing. Allele origin: germline. Inheritance: Autosomal dominant inheritance. Observed: 1 variant allele, 1 heterozygote.
Comment: This study involves interpretation of variants in research participants for the purpose of population health screening. Participant phenotype was not available at the time of variant classification. Additional details can be found in publication PMID: 35346344, PMCID: PMC8962531